The following is an entry in ClinVar:

NM_024675.4(PALB2):c.740C>T (p.Thr247Ile)

Gene: PALB2 (partner and localizer of BRCA2; minus strand). Cytogenetic location: 16p12.2.
Variant type: single nucleotide variant.
Coding change: c.740C>T on transcript NM_024675.4 (MANE Select); coding-DNA position 740, C replaced by T.
Protein change: p.Thr247Ile; replaces threonine 247 with isoleucine.
Molecular consequence: missense variant.
Genome position (GRCh38, 1-based): chr16:23,635,806, G>A on the plus strand (C>T on the coding strand, the complement: PALB2 is on the minus strand). VCF-style: chr16-23635806-G-A. GRCh37 (hg19) VCF-style: chr16-23647127-G-A.
Other names: short protein forms T247I.
Identifiers: ClinVar variation 830113 (VCV000830113.2), dbSNP rs587782658, ClinGen allele CA395136228.

ClinVar aggregate classification (germline): Uncertain significance. Review status: criteria provided, single submitter (1 of 4 stars). 2 submissions from 2 submitters: Uncertain significance (1). 1 of the submissions does not count toward it. Last evaluated 2025-03-04.

Submissions (2):

Center for Genomic Medicine, Rigshospitalet, Copenhagen University Hospital
Classification: Uncertain significance. Last evaluated: 2025-03-04. Review status: criteria provided, single submitter. Criteria: ACMG Guidelines, 2015. Collection method: clinical testing. Allele origin: germline.
Comment: Classification criteria: BP1

Leiden Open Variation Database
Classification: Uncertain significance. Last evaluated: 2018-10-10. Review status: no assertion criteria provided. Collection method: curation. Allele origin: germline. Affected: yes. Not counted in ClinVar's aggregate classification.
Comment: Curators: Marc Tischkowitz, Arleen D. Auerbach. Submitter to LOVD: Yukihide Momozawa.

Literature cited by the submitters: PubMed 30287823 (cited by Leiden Open Variation Database).